The following is an entry in ClinVar:

NM_001844.5(COL2A1):c.3328G>C (p.Gly1110Arg)

Gene: COL2A1 (collagen type II alpha 1 chain; minus strand). Cytogenetic location: 12q13.11.
Variant type: single nucleotide variant.
Coding change: c.3328G>C on transcript NM_001844.5 (MANE Select); coding-DNA position 3328, G replaced by C.
Protein change: p.Gly1110Arg; replaces glycine 1110 with arginine.
Molecular consequence: missense variant.
Genome position (GRCh38, 1-based): chr12:47,976,919, C>G on the plus strand (G>C on the coding strand, the complement: COL2A1 is on the minus strand). VCF-style: chr12-47976919-C-G. GRCh37 (hg19) VCF-style: chr12-48370702-C-G.
Other names: c.3121G>C, p.Gly1041Arg (NM_033150.3); short protein forms G1041R, G1110R.
Identifiers: ClinVar variation 1482171 (VCV001482171.6), dbSNP rs1938737050, ClinGen allele CA384539266.
Genomic context (GRCh38, chr12:47,976,919, plus strand): 5'-TCAGGCCTCTCTCGCCAGGCTCTCCAGCCTCTCCTTTGTCACCTCTGGGGCCTTGAGGAC[C>G]CTGGGAACAAGACAGACACCGATTGAGTCAGGTCAGGGCCAGGACAGGAGCCCCCTCCTG-3'
Protein context (NP_001835.3, residues 1100-1120): SGPAGARGIQ[Gly1110Arg]PQGPRGDKGE

ClinVar aggregate classification (germline): Likely pathogenic (1 of 4 stars; one submission).

Submission:

Labcorp Genetics (formerly Invitae), Labcorp
Classification: Likely pathogenic. Last evaluated: 2021-11-06. Review status: criteria provided, single submitter. Criteria: Invitae Variant Classification Sherloc (09022015). Collection method: clinical testing. Allele origin: germline.
Comment: Algorithms developed to predict the effect of missense changes on protein structure and function are either unavailable or do not agree on the potential impact of this missense change (SIFT: "Deleterious"; PolyPhen-2: "Not Available"; Align-GVGD: "Class C65"). This variant has not been reported in the literature in individuals affected with COL2A1-related conditions. This variant is not present in population databases (gnomAD no frequency). This sequence change replaces glycine, which is neutral and non-polar, with arginine, which is basic and polar, at codon 1110 of the COL2A1 protein (p.Gly1110Arg). Glycine residues within the Gly-Xaa-Yaa repeats of the triple helix domain are required for the structure and stability of fibrillar collagens (PMID: 7695699, 8218237, 19344236). In COL2A1, missense variants at these glycine residues are significantly enriched in individuals with disease (PMID: 10612821, 26443184) compared to the general population (ExAC). In summary, the currently available evidence indicates that the variant is pathogenic, but additional data are needed to prove that conclusively. Therefore, this variant has been classified as Likely Pathogenic. This variant disrupts the p.Gly1110 amino acid residue in COL2A1. Other variant(s) that disrupt this residue have been observed in individuals with COL2A1-related conditions (PMID: 9101290, 26626311), which suggests that this may be a clinically significant amino acid residue.

Literature cited by the submitters: PubMed 7695699; PubMed 8218237; PubMed 19344236; PubMed 10612821; PubMed 26443184; PubMed 9101290; PubMed 26626311.